The following is an entry in ClinVar:

ClinVar aggregate classification (germline): Pathogenic (1 of 4 stars; one submission).

Conditions:
Woodhouse-Sakati syndrome. Also called: Hypogonadism, Alopecia, Diabetes Mellitus, Mental Retardation, and Extrapyramidal Syndrome; Hypogonadism, diabetes mellitus, alopecia, mental retardation and electrocardiographic abnormalities; EXTRAPYRAMIDAL DISORDER, PROGRESSIVE, WITH PRIMARY HYPOGONADISM, MENTAL RETARDATION, AND ALOPECIA. Identifiers: Orphanet 3464, MedGen C0342286, MONDO:0009419, OMIM 241080.

Submission:

Labcorp Genetics (formerly Invitae), Labcorp
Classification: Pathogenic for Woodhouse-Sakati syndrome. Last evaluated: 2023-12-29. Review status: criteria provided, single submitter. Criteria: Invitae Variant Classification Sherloc (09022015). Collection method: clinical testing. Allele origin: germline.
Comment: This sequence change creates a premature translational stop signal (p.Arg194Profs*44) in the DCAF17 gene. It is expected to result in an absent or disrupted protein product. Loss-of-function variants in DCAF17 are known to be pathogenic (PMID: 19026396, 20507343). This variant is not present in population databases (gnomAD no frequency). This variant has not been reported in the literature in individuals affected with DCAF17-related conditions. For these reasons, this variant has been classified as Pathogenic.

Literature cited by the submitters: PubMed 19026396; PubMed 20507343.

NM_025000.4(DCAF17):c.578dup (p.Arg194fs)

Gene: DCAF17 (DDB1 and CUL4 associated factor 17; plus strand). Cytogenetic location: 2q31.1.
Variant type: Duplication.
Coding change: c.578dup on transcript NM_025000.4 (MANE Select); coding-DNA position 578, one base duplicated (T; older notation c.578dupT).
Protein change: p.Arg194fs; shifts the reading frame from arginine 194.
Molecular consequence: frameshift variant. On other transcripts: non-coding transcript variant (1).
Genome position (GRCh38, 1-based): chr2:171,453,164, T duplicated; the last of 2 consecutive T bases (chr2:171,453,163-171,453,164); duplicating either gives the same sequence. VCF-style (leftmost placement, unchanged base first): chr2-171453162-G-GT. GRCh37 (hg19) VCF-style: chr2-172309672-G-GT.
Other names: c.578dup, p.Arg194fs (NM_001164821.2); short protein forms R194fs.
Identifiers: ClinVar variation 2706275 (VCV002706275.3), dbSNP rs2529700694, ClinGen allele CA2697551355.